The following is an entry in ClinVar:

ClinVar aggregate classification (germline): Uncertain significance (1 of 4 stars; one submission).

Allele frequency attached by ClinVar (database versions not stated): gnomAD exomes below 0.00001.
gnomAD v4.1: 1 of 1,613,948 alleles (0.000062%); highest among the groups gnomAD compares: African/African-American, 0.0013%; no homozygotes.

Submission:

Labcorp Genetics (formerly Invitae), Labcorp
Classification: Uncertain significance. Last evaluated: 2022-10-12. Review status: criteria provided, single submitter. Criteria: Invitae Variant Classification Sherloc (09022015). Collection method: clinical testing. Allele origin: germline.
Comment: This sequence change replaces methionine, which is neutral and non-polar, with valine, which is neutral and non-polar, at codon 202 of the CTNNB1 protein (p.Met202Val). In summary, the available evidence is currently insufficient to determine the role of this variant in disease. Therefore, it has been classified as a Variant of Uncertain Significance. Advanced modeling of protein sequence and biophysical properties (such as structural, functional, and spatial information, amino acid conservation, physicochemical variation, residue mobility, and thermodynamic stability) performed at Invitae indicates that this missense variant is not expected to disrupt CTNNB1 protein function. This variant has not been reported in the literature in individuals affected with CTNNB1-related conditions. This variant is not present in population databases (gnomAD no frequency).

NM_001904.4(CTNNB1):c.604A>G (p.Met202Val)

Genes: CTNNB1 (catenin beta 1; plus strand), LOC126806658 (BRD4-independent group 4 enhancer GRCh37_chr3:41265899-41267098; plus strand). Cytogenetic location: 3p22.1.
Variant type: single nucleotide variant.
Coding change: c.604A>G on transcript NM_001904.4 (MANE Select); coding-DNA position 604, A replaced by G.
Protein change: p.Met202Val; replaces methionine 202 with valine.
Molecular consequence: missense variant.
Genome position (GRCh38, 1-based): chr3:41,225,442, A>G. VCF-style: chr3-41225442-A-G. GRCh37 (hg19) VCF-style: chr3-41266933-A-G.
Other names: c.604A>G, p.Met202Val (NM_001098209.2, NM_001098210.2); c.583A>G, p.Met195Val (NM_001330729.2); short protein forms M195V, M202V.
Identifiers: ClinVar variation 1719504 (VCV001719504.6), dbSNP rs2125622826, ClinGen allele CA352229671.